The following is an entry in ClinVar:

ClinVar aggregate classification (germline): Uncertain significance (1 of 4 stars; one submission).

Conditions:
Nemaline myopathy 6 (NEM6). Also called: Nemaline myopathy 6, autosomal dominant. Identifiers: Orphanet 171439, MedGen C1836472, MONDO:0012237, OMIM 609273.

Submission:

Labcorp Genetics (formerly Invitae), Labcorp
Classification: Uncertain significance for Nemaline myopathy 6. Last evaluated: 2021-04-23. Review status: criteria provided, single submitter. Criteria: Invitae Variant Classification Sherloc (09022015). Collection method: clinical testing. Allele origin: germline.
Comment: In summary, the available evidence is currently insufficient to determine the role of this variant in disease. Therefore, it has been classified as a Variant of Uncertain Significance. Algorithms developed to predict the effect of missense changes on protein structure and function are either unavailable or do not agree on the potential impact of this missense change (SIFT: "Deleterious"; PolyPhen-2: "Probably Damaging"; Align-GVGD: "Class C0"). This variant has not been reported in the literature in individuals with KBTBD13-related conditions. This variant is not present in population databases (ExAC no frequency). This sequence change replaces tyrosine with cysteine at codon 261 of the KBTBD13 protein (p.Tyr261Cys). The tyrosine residue is highly conserved and there is a large physicochemical difference between tyrosine and cysteine.

NM_001101362.3(KBTBD13):c.782A>G (p.Tyr261Cys)

Gene: KBTBD13 (kelch repeat and BTB domain containing 13; plus strand). Cytogenetic location: 15q22.31.
Variant type: single nucleotide variant.
Coding change: c.782A>G on transcript NM_001101362.3 (MANE Select); coding-DNA position 782, A replaced by G.
Protein change: p.Tyr261Cys; replaces tyrosine 261 with cysteine.
Molecular consequence: missense variant.
Genome position (GRCh38, 1-based): chr15:65,077,597, A>G. VCF-style: chr15-65077597-A-G. GRCh37 (hg19) VCF-style: chr15-65369935-A-G.
Other names: short protein forms Y261C.
Identifiers: ClinVar variation 1429010 (VCV001429010.8), dbSNP rs958756775, ClinGen allele CA271504040.